The following is an entry in ClinVar:

NM_001023.4(RPS20):c.356C>T (p.Ala119Val)

Gene: RPS20 (ribosomal protein S20; minus strand). Cytogenetic location: 8q12.1.
Variant type: single nucleotide variant.
Coding change: c.356C>T on transcript NM_001023.4 (MANE Select); coding-DNA position 356, C replaced by T.
Protein change: p.Ala119Val; replaces alanine 119 with valine.
Molecular consequence: missense variant. On other transcripts: intron variant (1).
Genome position (GRCh38, 1-based): chr8:56,073,094, G>A on the plus strand (C>T on the coding strand, the complement: RPS20 is on the minus strand). VCF-style: chr8-56073094-G-A. GRCh37 (hg19) VCF-style: chr8-56985653-G-A.
Other names: c.333+23C>T (NM_001146227.3); short protein forms A119V.
Identifiers: ClinVar variation 5028426 (VCV005028426.1).

ClinVar aggregate classification (germline): Uncertain significance (1 of 4 stars; one submission).

Submission:

Ambry Genetics
Classification: Uncertain significance. Last evaluated: 2026-09-08. Review status: criteria provided, single submitter. Criteria: Ambry Variant Classification Scheme 2023. Collection method: clinical testing. Allele origin: germline.
Comment: The p.A119V variant (also known as c.356C>T), located in coding exon 4 of the RPS20 gene, results from a C to T substitution at nucleotide position 356. The alanine at codon 119 is replaced by valine, an amino acid with similar properties. This amino acid position is highly conserved in available vertebrate species. In addition, the in silico prediction for this alteration is inconclusive. Based on the available evidence, the clinical significance of this variant remains unclear.